The following is an entry in ClinVar:

NM_000404.4(GLB1):c.75+2T>G

Genes: GLB1 (galactosidase beta 1; minus strand), TMPPE (transmembrane protein with metallophosphoesterase domain; minus strand), LOC129936434 (ATAC-STARR-seq lymphoblastoid silent region 14182; plus strand). Cytogenetic location: 3p22.3.
Variant type: single nucleotide variant.
Coding change: c.75+2T>G on transcript NM_000404.4 (MANE Select); the canonical splice donor site of the intron after coding-DNA position 75, T replaced by G.
Molecular consequence: splice donor variant. On other transcripts: 5 prime UTR variant (2).
Genome position (GRCh38, 1-based): chr3:33,097,009, A>C on the plus strand (T>G on the coding strand, the complement: GLB1 is on the minus strand). VCF-style: chr3-33097009-A-C. GRCh37 (hg19) VCF-style: chr3-33138501-A-C.
Other names: c.-399T>G (NM_001039770.3); c.-295T>G (NM_001136238.2); c.75+2T>G (NM_001393580.1, NM_001135602.3, NM_001317040.2).
Identifiers: ClinVar variation 1077168 (VCV001077168.3), dbSNP rs2125591484, ClinGen allele CA352007430.

ClinVar aggregate classification (germline): Likely pathogenic. Review status: criteria provided, single submitter (1 of 4 stars). 2 submissions from 2 submitters: Likely pathogenic (1). 1 of the submissions does not count toward it. Last evaluated 2025-11-24.

Conditions:
GLB1-related disorder. Also called: GLB1-related disorders. Identifiers: MedGen CN377807.
Mucopolysaccharidosis, MPS-IV-B (MPS4B). Also called: MORQUIO SYNDROME B; Mucopolysaccharidosis type IV B; Mucopolysaccharidosis Type IVB; Mucopolysaccharidosis type 4B; Mucopolysaccharidosis type IVB (Morquio); MPS IVB. Identifiers: Orphanet 309310, Orphanet 582, MedGen C0086652, MONDO:0009660, OMIM 253010.

Submissions (2):

Myriad Genetics, Inc.
Classification: Likely pathogenic for GLB1-related disorder. Last evaluated: 2025-11-24. Review status: criteria provided, single submitter. Criteria: Myriad Autosomal Dominant, Autosomal Recessive and X-Linked Classification Criteria (2023). Collection method: clinical testing. Allele origin: unknown.
Comment: NM_000404.2(GLB1):c.75+2T>G is a variant in a canonical splice site classified as likely pathogenic in the context of GLB1-related disorders. c.75+2T>G has been observed in a case with relevant disease (PMID: 33558080). Relevant functional assessments of this variant are not available in the literature. c.75+2T>G has not been observed in referenced population frequency databases. In summary, NM_000404.2(GLB1):c.75+2T>G is a variant in a canonical splice site in a gene where loss of function is a known mechanism of disease, is predicted to disrupt protein function, and has been observed more frequently in cases with the relevant disease than in healthy populations. Please note: this variant was assessed in the context of healthy population screening.

OMIM
Classification: Pathogenic for MUCOPOLYSACCHARIDOSIS, TYPE IVB. Last evaluated: 2021-05-12. Review status: no assertion criteria provided. Collection method: literature only. Allele origin: germline. Not counted in ClinVar's aggregate classification.

Literature cited by the submitters: PubMed 33558080 (cited by Myriad Genetics, Inc. and OMIM).